The following is an entry in ClinVar:

ClinVar aggregate classification (germline): Uncertain significance (1 of 4 stars; one submission).

Submission:

Labcorp Genetics (formerly Invitae), Labcorp
Classification: Uncertain significance. Last evaluated: 2022-11-01. Review status: criteria provided, single submitter. Criteria: Invitae Variant Classification Sherloc (09022015). Collection method: clinical testing. Allele origin: germline.
Comment: This sequence change replaces valine, which is neutral and non-polar, with isoleucine, which is neutral and non-polar, at codon 189 of the HPS3 protein (p.Val189Ile). This variant is not present in population databases (gnomAD no frequency). This variant has not been reported in the literature in individuals affected with HPS3-related conditions. ClinVar contains an entry for this variant (Variation ID: 1360601). Advanced modeling of protein sequence and biophysical properties (such as structural, functional, and spatial information, amino acid conservation, physicochemical variation, residue mobility, and thermodynamic stability) performed at Invitae indicates that this missense variant is not expected to disrupt HPS3 protein function. In summary, the available evidence is currently insufficient to determine the role of this variant in disease. Therefore, it has been classified as a Variant of Uncertain Significance.

NM_032383.5(HPS3):c.565G>A (p.Val189Ile)

Gene: HPS3 (HPS3 biogenesis of lysosomal organelles complex 2 subunit 1; plus strand). Cytogenetic location: 3q24.
Variant type: single nucleotide variant.
Coding change: c.565G>A on transcript NM_032383.5 (MANE Select); coding-DNA position 565, G replaced by A.
Protein change: p.Val189Ile; replaces valine 189 with isoleucine.
Molecular consequence: missense variant. On other transcripts: intron variant (1).
Genome position (GRCh38, 1-based): chr3:149,140,351, G>A. VCF-style: chr3-149140351-G-A. GRCh37 (hg19) VCF-style: chr3-148858138-G-A.
Other names: c.218-666G>A (NM_001308258.2); short protein forms V189I.
Identifiers: ClinVar variation 1360601 (VCV001360601.3), dbSNP rs1722365742, ClinGen allele CA354912361.